The following is an entry in ClinVar:

ClinVar aggregate classification (germline): Uncertain significance (1 of 4 stars; one submission).

Allele frequency attached by ClinVar (database versions not stated): gnomAD exomes below 0.00001.

Submission:

Ambry Genetics
Classification: Uncertain significance. Last evaluated: 2022-11-25. Review status: criteria provided, single submitter. Criteria: Ambry Variant Classification Scheme 2023. Collection method: clinical testing. Allele origin: germline.
Comment: The p.E22K variant (also known as c.64G>A), located in coding exon 1 of the EGLN1 gene, results from a G to A substitution at nucleotide position 64. The glutamic acid at codon 22 is replaced by lysine, an amino acid with similar properties. This amino acid position is conserved. In addition, the in silico prediction for this alteration is inconclusive. Since supporting evidence is limited at this time, the clinical significance of this alteration remains unclear.

NM_022051.3(EGLN1):c.64G>A (p.Glu22Lys)

Gene: EGLN1 (egl-9 family hypoxia inducible factor 1; minus strand). Cytogenetic location: 1q42.2.
Variant type: single nucleotide variant.
Coding change: c.64G>A on transcript NM_022051.3 (MANE Select); coding-DNA position 64, G replaced by A.
Protein change: p.Glu22Lys; replaces glutamic acid 22 with lysine.
Molecular consequence: missense variant.
Genome position (GRCh38, 1-based): chr1:231,421,825, C>T on the plus strand (G>A on the coding strand, the complement: EGLN1 is on the minus strand). VCF-style: chr1-231421825-C-T. GRCh37 (hg19) VCF-style: chr1-231557571-C-T.
Other names: c.64G>A, p.Glu22Lys (NM_001377260.1, NM_001377261.1); short protein forms E22K.
Identifiers: ClinVar variation 2450372 (VCV002450372.2), dbSNP rs2527362189, ClinGen allele CA345239237.
Genomic context (GRCh38, chr1:231,421,825, plus strand): 5'-AGTAGAAGGAGCTGCGGCAGCGGCTGCAGCGCAGCAGGTTCTCCATCTTCCCGCACAGCT[C>T]GCAGTACTGCCGGTCTCGCTCGCTCGGGCTCGGCCCGCCGGGCCCGCCGCTGTCATTGGC-3'
Protein context (NP_071334.1, residues 12-32): SPSERDRQYC[Glu22Lys]LCGKMENLLR